The following is an entry in ClinVar:

ClinVar aggregate classification (germline): Pathogenic/Likely pathogenic. Review status: criteria provided, multiple submitters, no conflicts (2 of 4 stars). 2 submissions from 2 submitters: Pathogenic (1); Likely pathogenic (1). Last evaluated 2022-11-15.

Conditions:
Familial X-linked hypophosphatemic vitamin D refractory rickets (XLHRD). Also called: X-Linked Hypophosphatemia; Hypophosphatemic Rickets, X-Linked Dominant; HYPOPHOSPHATEMIC VITAMIN D-RESISTANT RICKETS; Hypophosphatemia, vitamin D-resistant rickets; Vitamin D-resistant rickets, X-linked. Identifiers: Orphanet 89936, MedGen C0733682, MONDO:0010619, OMIM 307800.

Submissions (2):

Labcorp Genetics (formerly Invitae), Labcorp
Classification: Pathogenic. Last evaluated: 2022-11-15. Review status: criteria provided, single submitter. Criteria: Invitae Variant Classification Sherloc (09022015). Collection method: clinical testing. Allele origin: germline.
Comment: This variant has not been reported in the literature in individuals affected with PHEX-related conditions. ClinVar contains an entry for this variant (Variation ID: 36679). For these reasons, this variant has been classified as Pathogenic. This sequence change creates a premature translational stop signal (p.Met296Profs*6) in the PHEX gene. It is expected to result in an absent or disrupted protein product. Loss-of-function variants in PHEX are known to be pathogenic (PMID: 9097956, 9106524, 19219621). This variant is not present in population databases (gnomAD no frequency).

Women's Health and Genetics/Laboratory Corporation of America, LabCorp
Classification: Likely pathogenic for X-linked Hypophosphatemic Rickets. Last evaluated: 2011-08-18. Review status: criteria provided, single submitter. Criteria: LabCorp Variant Classification Summary - May 2015. Collection method: curation, clinical testing. Allele origin: germline. Inheritance: Xlinked unknown. Affected: yes.
ClinVar note: Converted during submission from likely pathogenic to Likely pathogenic.

Literature cited by the submitters: PubMed 9097956 (cited by Labcorp Genetics (formerly Invitae), Labcorp); PubMed 9106524 (cited by Labcorp Genetics (formerly Invitae), Labcorp); PubMed 19219621 (cited by Labcorp Genetics (formerly Invitae), Labcorp).

NM_000444.6(PHEX):c.884_885dup (p.Met296fs)

Gene: PHEX (phosphate regulating endopeptidase X-linked; plus strand). Cytogenetic location: Xp22.11.
Variant type: Duplication.
Coding change: c.884_885dup on transcript NM_000444.6 (MANE Select); coding-DNA positions 884 to 885, 2 bases duplicated (CC; older notation c.884_885dupCC).
Protein change: p.Met296fs; shifts the reading frame from methionine 296.
Molecular consequence: frameshift variant.
Genome position (GRCh38, 1-based): chrX:22,096,989-22,096,990, CC duplicated. VCF-style (leftmost placement, unchanged base first): chrX-22096988-G-GCC. GRCh37 (hg19) VCF-style: chrX-22115106-G-GCC.
Other names: c.884_885dup, p.Met296fs (NM_001282754.2); short protein forms M296fs.
Identifiers: ClinVar variation 36679 (VCV000036679.6), dbSNP rs193922460, ClinGen allele CA260511.